The following is an entry in ClinVar:

ClinVar aggregate classification (germline): Benign/Likely benign. Review status: criteria provided, multiple submitters, no conflicts (2 of 4 stars). 7 submissions from 7 submitters: Benign (3); Likely benign (4). Last evaluated 2026-02-02.

Conditions:
Diabetes insipidus, nephrogenic, X-linked. Also called: Nephrogenic Diabetes Insipidus, Type I. Identifiers: Orphanet 223, MedGen C1563705, MONDO:0010581, OMIM 304800.
Nephrogenic syndrome of inappropriate antidiuresis (NSIAD). Identifiers: Orphanet 93606, MedGen C1845202, MONDO:0010356, OMIM 300539.

Allele frequency attached by ClinVar (database versions not stated): TOPMed 0.00049; gnomAD 0.00061 and 0.00071; gnomAD exomes 0.00062 and 0.00108; 1000 Genomes Project 0.00079; ExAC 0.00082; ESP Exome Variant Server 0.00086; 1000 Genomes Project 30x 0.00104.

Submissions (7):

Labcorp Genetics (formerly Invitae), Labcorp
Classification: Benign. Last evaluated: 2026-02-02. Review status: criteria provided, single submitter. Criteria: Invitae Variant Classification Sherloc (09022015). Collection method: clinical testing. Allele origin: germline.

Laboratory of Genetics, Children's Clinical University Hospital Latvia
Classification: Likely benign. Last evaluated: 2025-02-16. Review status: criteria provided, single submitter. Criteria: ACMG Guidelines, 2015. Collection method: clinical testing. Allele origin: germline. Affected: yes.

Women's Health and Genetics/Laboratory Corporation of America, LabCorp
Classification: Likely benign. Last evaluated: 2024-12-06. Review status: criteria provided, single submitter. Criteria: LabCorp Variant Classification Summary - May 2015. Collection method: clinical testing. Allele origin: germline.

Blueprint Genetics
Classification: Likely benign. Last evaluated: 2024-11-27. Review status: criteria provided, single submitter. Criteria: ACMG Guidelines, 2015. Collection method: clinical testing. Allele origin: germline.

Fulgent Genetics
Classification: Likely benign for Nephrogenic syndrome of inappropriate antidiuresis; Diabetes insipidus, nephrogenic, X-linked. Last evaluated: 2021-10-28. Review status: criteria provided, single submitter. Criteria: ACMG Guidelines, 2015. Collection method: clinical testing. Allele origin: unknown.

Illumina Laboratory Services, Illumina
Classification: Benign for Diabetes insipidus, nephrogenic, X-linked. Last evaluated: 2018-01-12. Review status: criteria provided, single submitter. Criteria: ICSL Variant Classification Criteria 13 December 2019. Collection method: clinical testing. Allele origin: germline.
Comment: This variant was observed in the ICSL laboratory as part of a predisposition screen in an ostensibly healthy population. It had not been previously curated by ICSL or reported in the Human Gene Mutation Database (HGMD: prior to June 1st, 2018), and was therefore a candidate for classification through an automated scoring system. Utilizing variant allele frequency, disease prevalence and penetrance estimates, and inheritance mode, an automated score was calculated to assess if this variant is too frequent to cause the disease. Based on the score and internal cut-off values, a variant classified as benign is not then subjected to further curation. The score for this variant resulted in a classification of benign for this disease.

Breakthrough Genomics
Classification: Benign. Review status: criteria provided, single submitter. Criteria: ACMG Guidelines, 2015. Collection method: not provided. Allele origin: germline. Inheritance: X-linked inheritance. Affected: yes.

NM_000054.7(AVPR2):c.117G>A (p.Ala39=)

Gene: AVPR2 (arginine vasopressin receptor 2; plus strand). Cytogenetic location: Xq28.
Variant type: single nucleotide variant.
Coding change: c.117G>A on transcript NM_000054.7 (MANE Select); coding-DNA position 117, G replaced by A.
Protein change: p.Ala39=; no amino-acid change (alanine 39 retained).
Molecular consequence: synonymous variant.
Genome position (GRCh38, 1-based): chrX:153,905,623, G>A. VCF-style: chrX-153905623-G-A. GRCh37 (hg19) VCF-style: chrX-153171077-G-A.
Other names: c.117G>A, p.Ala39= (NM_001146151.3).
Identifiers: ClinVar variation 735248 (VCV000735248.17), dbSNP rs374487946, ClinGen allele CA10554949.
Genomic context (GRCh38, chrX:153,905,623, plus strand): 5'-GCCCAGCAACAGCAGCCAGGAGAGGCCACTGGACACCCGGGACCCGCTGCTAGCCCGGGC[G>A]GAGCTGGCGCTGCTCTCCATAGTCTTTGTGGCTGTGGCCCTGAGCAATGGCCTGGTGCTG-3'
Protein context (NP_000045.1, residues 29-49): LDTRDPLLAR[Ala39=]ELALLSIVFV